The following is an entry in ClinVar:

ClinVar aggregate classification (germline): Pathogenic. Review status: reviewed by expert panel (3 of 4 stars). 8 submissions from 8 submitters: Pathogenic (1). 7 of the submissions do not count toward it. Last evaluated 2025-06-24.

Conditions:
Miyoshi muscular dystrophy 1 (MMD1). Identifiers: Orphanet 45448, MedGen C4551973, MONDO:0024545, OMIM 254130.
Autosomal recessive limb-girdle muscular dystrophy type 2B (LGMDR2). Also called: MUSCULAR DYSTROPHY, LIMB-GIRDLE, AUTOSOMAL RECESSIVE 2; MUSCULAR DYSTROPHY, LIMB-GIRDLE, TYPE 3; Limb-girdle muscular dystrophy, type 2B; Limb-Girdle Muscular Dystrophy Type 2B (LGMD2B). Identifiers: Orphanet 268, MedGen C1850889, MONDO:0009676, OMIM 253601.
Autosomal recessive limb-girdle muscular dystrophy. Identifiers: Orphanet 102015, MedGen C2931907, MONDO:0015152.
Neuromuscular disease caused by qualitative or quantitative defects of dysferlin. Also called: Dysferlinopathy; Qualitative or quantitative defects of dysferlin. Identifiers: Orphanet 207073, MedGen C2931687, MONDO:0016145.

Submissions (8):

ClinGen Limb Girdle Muscular Dystrophy Variant Curation Expert Panel, ClinGen
Classification: Pathogenic for Autosomal recessive limb-girdle muscular dystrophy. Last evaluated: 2025-06-24. Review status: reviewed by expert panel. Criteria: ClinGen LGMD VCEP ACMG Specifications DYSF V1.0.0. Collection method: curation. Allele origin: germline. Inheritance: Autosomal recessive inheritance.
Comment: The NM_003494.4: c.5668-824C>T variant in DYSF, which is also known as NM_001130987.2: c.5785-824C>T, is located in intron 50. SpliceAI predicts it will strengthen alternative splice donor and acceptor sites, with a score of 0.67 and 0.51, respectively. RNAseq and RNA + RT-PCR analysis have shown that this variant results in the inclusion of a portion of intron 50, creating a pseudoexon that is predicted to lead to a frameshift, premature truncation, and nonsense mediated decay in a gene for which loss of function is a known mechanism of disease (PVS1_RNA; PMID: 31019989; 36983702). This variant has been reported in at least 16 individuals with progressive limb girdle muscle weakness (PMID: 31019989; 36983702; PP4), including in a homozygous state without reported familial consanguinity in nine patients (1.0 pt; PMID: 31019989) and in unknown phase with a pathogenic variant in two patients (NM_003494.4: c.5698_5699del p.(Ser1900GlnfsTer14), 0.5 pts, PMID: 31019989; 36983702; NM_003494.4: c.855+1del, 0.5 pts, PMID: 31019989) (PM3_Strong). This variant has been identified with a second presumed diagnostic DYSF variant in six affected family members from four families, but phase was not confirmed (PMID: 31019989; PP1_Strong not met). This variant is absent from gnomAD v4.1.0 in a region with good genome coverage (PM2_Supporting). In summary, this variant meets the criteria to be classified as Pathogenic for autosomal recessive limb girdle muscular dystrophy based on the ACMG/AMP criteria applied, as specified by the ClinGen LGMD VCEP (LGMD VCEP specifications version 1.0.0; 06/25/2025): PVS1_RNA, PM3_Strong, PP4, PM2_Supporting.

Labcorp Genetics (formerly Invitae), Labcorp
Classification: Pathogenic for Neuromuscular disease caused by qualitative or quantitative defects of dysferlin. Last evaluated: 2025-06-22. Review status: criteria provided, single submitter. Criteria: Invitae Variant Classification Sherloc (09022015). Collection method: clinical testing. Allele origin: germline. Not counted in ClinVar's aggregate classification.
Comment: This sequence change falls in intron 50 of the DYSF gene. It does not directly change the encoded amino acid sequence of the DYSF protein. RNA analysis indicates that this variant induces altered splicing and may result in an absent or altered protein product. This variant is not present in population databases (gnomAD no frequency). This variant has been observed in individual(s) with limb-girdle muscular dystrophy or Miyoshi myopathy (PMID: 28904466, 31019989). ClinVar contains an entry for this variant (Variation ID: 496981). Studies have shown that this variant results in inclusion of 180 nucleotides from intron 50, and produces a non-functional protein and/or introduces a premature termination codon (PMID: 31019989). For these reasons, this variant has been classified as Pathogenic.

Revvity Omics, Revvity
Classification: Pathogenic. Last evaluated: 2025-06-13. Review status: criteria provided, single submitter. Criteria: ACMG Guidelines, 2015. Collection method: clinical testing. Allele origin: germline. Not counted in ClinVar's aggregate classification.

Natera, Inc.
Classification: Pathogenic for Limb-girdle muscular dystrophy type 2B. Last evaluated: 2024-09-18. Review status: criteria provided, single submitter. Criteria: Natera Variant Classification Schema (03/2026). Collection method: clinical testing. Allele origin: germline. Not counted in ClinVar's aggregate classification.
Comment: The c.5668-824C>T variant in DYSF is an intronic variant located outside the canonical splice sites. This variant is rare in the general population with a frequency below the threshold expected for the associated phenotype(s). This variant has been observed in one or more individuals affected with the associated recessive disease, as either homozygous or compound heterozygous with a second variant (PMID: 31019989). Functional studies show that this variant may disrupt protein function (PMID: 31019989). Given the available evidence, this variant is classified as Pathogenic.

Kariminejad - Najmabadi Pathology & Genetics Center
Classification: Pathogenic for Miyoshi muscular dystrophy 1; Autosomal recessive limb-girdle muscular dystrophy type 2B. Last evaluated: 2023-03-10. Review status: criteria provided, single submitter. Criteria: ACMG Guidelines, 2015. Collection method: clinical testing. Allele origin: germline. Inheritance: Autosomal recessive inheritance. Affected: yes. Not counted in ClinVar's aggregate classification.
Comment: PP5_strong,PM2_moderate,PM3?,PS3??

Women's Health and Genetics/Laboratory Corporation of America, LabCorp
Classification: Pathogenic for Autosomal recessive limb-girdle muscular dystrophy. Last evaluated: 2023-01-05. Review status: criteria provided, single submitter. Criteria: LabCorp Variant Classification Summary - May 2015. Collection method: clinical testing. Allele origin: germline. Not counted in ClinVar's aggregate classification.
Comment: Variant summary: DYSF NM_003494.3:c.5668-824C>T is located at a deep intronic position not widely known to affect splicing. Several computational tools predict a significant impact on normal splicing: Four predict the variant creates a cryptic 5' splicing donor site in intron 50. At least one publication reports experimental evidence that this variant affects mRNA splicing resulting in the inclusion of a pseudoexon within the mature DYSF mRNA leading to an alteration of the protein sequence, causing premature translation termination (Dominov_2019). The variant was absent in 31378 control chromosomes. c.5668-824C>T has been widely reported in the literature as biallelic homozygous or compound heterozygous genotypes in multiple individuals affected with Limb-Girdle Muscular Dystrophy, Autosomal Recessive (example, Dominov_2019). These data indicate that the variant is very likely to be associated with disease. Three clinical diagnostic laboratories have submitted clinical-significance assessments for this variant to ClinVar after 2014 without evidence for independent evaluation. All laboratories classified the variant as pathogenic. Based on the evidence outlined above, the variant was classified as pathogenic.

Eurofins Ntd Llc (ga)
Classification: Pathogenic. Last evaluated: 2017-11-30. Review status: criteria provided, single submitter. Criteria: EGL Classification Definitions 2015. Collection method: clinical testing. Allele origin: germline. Observed: 3 variant alleles, 3 heterozygotes. Not counted in ClinVar's aggregate classification.

GeneReviews
No classification provided. Condition: Miyoshi muscular dystrophy 1. Review status: no classification provided. Collection method: literature only. Allele origin: germline. Not counted in ClinVar's aggregate classification.
Comment: Common variant that results in inclusion of pseudoexon 50.1

Literature cited by the submitters: PubMed 28904466 (cited by Labcorp Genetics (formerly Invitae), Labcorp); PubMed 31019989 (cited by 4 submitters).

NM_001130987.2(DYSF):c.5785-824C>T

Genes: DYSF (dysferlin; plus strand), LOC110121121 (VISTA enhancer hs1479; plus strand). Cytogenetic location: 2p13.2.
Variant type: single nucleotide variant.
Coding change: c.5785-824C>T on transcript NM_001130987.2 (MANE Select); 824 bases into the intron before coding-DNA position 5785, C replaced by T.
Molecular consequence: intron variant.
Genome position (GRCh38, 1-based): chr2:71,673,373, C>T. VCF-style: chr2-71673373-C-T. GRCh37 (hg19) VCF-style: chr2-71900503-C-T.
Other names: c.5761-824C>T (NM_001130979.2); c.5782-824C>T (NM_001130981.2); c.5719-824C>T (NM_001130980.2); c.5731-824C>T (NM_001130978.2); c.5668-824C>T (NM_003494.4, NM_003494.3); c.5689-824C>T (NM_001130977.2); c.5626-824C>T (NM_001130976.2); c.5764-824C>T (NM_001130982.2); and 5 more.
Identifiers: ClinVar variation 496981 (VCV000496981.23), dbSNP rs1285082850, ClinGen allele CA658795804.